The following is an entry in ClinVar:

ClinVar aggregate classification (germline): Uncertain significance (1 of 4 stars; one submission).

Submission:

GeneDx
Classification: Uncertain significance. Last evaluated: 2024-02-01. Review status: criteria provided, single submitter. Criteria: GeneDx Variant Classification Process June 2021. Collection method: clinical testing. Allele origin: germline. Affected: yes.
Comment: Not observed at significant frequency in large population cohorts (gnomAD); In silico analysis supports that this missense variant has a deleterious effect on protein structure/function; Has not been previously published as pathogenic or benign to our knowledge

NM_032271.3(TRAF7):c.971A>G (p.Glu324Gly)

Gene: TRAF7 (TNF receptor associated factor 7; plus strand). Cytogenetic location: 16p13.3.
Variant type: single nucleotide variant.
Coding change: c.971A>G on transcript NM_032271.3 (MANE Select); coding-DNA position 971, A replaced by G.
Protein change: p.Glu324Gly; replaces glutamic acid 324 with glycine.
Molecular consequence: missense variant.
Genome position (GRCh38, 1-based): chr16:2,173,358, A>G. VCF-style: chr16-2173358-A-G. GRCh37 (hg19) VCF-style: chr16-2223359-A-G.
Other names: short protein forms E324G.
Identifiers: ClinVar variation 3368465 (VCV003368465.1).